The following is an entry in ClinVar:

NM_001042492.3(NF1):c.587-14del

Gene: NF1 (neurofibromin 1; plus strand). Cytogenetic location: 17q11.2.
Variant type: Deletion.
Coding change: c.587-14del on transcript NM_001042492.3 (MANE Select); 14 bases into the intron before coding-DNA position 587, one base deleted (T; older notation c.587-14delT).
Molecular consequence: intron variant.
Genome position (GRCh38, 1-based): chr17:31,181,408, T deleted; the last of 2 consecutive T bases (chr17:31,181,407-31,181,408); deleting either gives the same sequence. VCF-style (leftmost placement, unchanged base first): chr17-31181406-AT-A. GRCh37 (hg19) VCF-style: chr17-29508424-AT-A.
Other names: c.587-14del (NM_000267.4, NM_001128147.3).
Identifiers: ClinVar variation 1970725 (VCV001970725.6), dbSNP rs1415905698, ClinGen allele CA728019691.
Genomic context (GRCh38, chr17:31,181,406, plus strand): 5'-GAAAGTTATTTTGCTCTGAGTTGTATTTGTGTTAACTTATTCTAGAGTTAATTTTTAAAA[AT>A]TGTGTTTTTTCCAGAAACAGCATTTAAATTTAAAGCCCTAAAGAAGGTTGCGCAGTTAGC-3'

ClinVar aggregate classification (germline): Likely benign. Review status: criteria provided, multiple submitters, no conflicts (2 of 4 stars). 2 submissions from 2 submitters: Likely benign (2). Last evaluated 2026-05-11.

Conditions:
Neurofibromatosis, type 1 (NF1). Also called: Neurofibromatosis, type I; NEUROFIBROMATOSIS, TYPE I, SOMATIC; Peripheral type neurofibromatosis; VON RECKLINGHAUSEN DISEASE. Identifiers: Orphanet 636, MedGen C0027831, MONDO:0018975, OMIM 162200. Disease mechanism: loss of function.

Submissions (2):

Myriad Genetics, Inc.
Classification: Likely benign for Neurofibromatosis, type 1. Last evaluated: 2026-05-11. Review status: criteria provided, single submitter. Criteria: Myriad Autosomal Dominant, Autosomal Recessive and X-Linked Classification Criteria (2023). Collection method: clinical testing. Allele origin: unknown.
Comment: This variant is considered likely benign. This variant is intronic and is not expected to impact mRNA splicing.

Labcorp Genetics (formerly Invitae), Labcorp
Classification: Likely benign for Neurofibromatosis, type 1. Last evaluated: 2025-10-01. Review status: criteria provided, single submitter. Criteria: Invitae Variant Classification Sherloc (09022015). Collection method: clinical testing. Allele origin: germline.